The following is an entry in ClinVar:

NM_002739.5(PRKCG):c.223C>T (p.Arg75Ter)

Gene: PRKCG (protein kinase C gamma; plus strand). Cytogenetic location: 19q13.42.
Variant type: single nucleotide variant.
Coding change: c.223C>T on transcript NM_002739.5 (MANE Select); coding-DNA position 223, C replaced by T.
Protein change: p.Arg75Ter; replaces arginine 75 with a stop codon.
Molecular consequence: nonsense.
Genome position (GRCh38, 1-based): chr19:53,884,181, C>T. VCF-style: chr19-53884181-C-T. GRCh37 (hg19) VCF-style: chr19-54387435-C-T.
Other names: c.223C>T, p.Arg75Ter (NM_001316329.2); short protein forms R75*.
Identifiers: ClinVar variation 1700922 (VCV001700922.2), dbSNP rs929413725, ClinGen allele CA310080013.

ClinVar aggregate classification (germline): Uncertain significance (1 of 4 stars; one submission).

Allele frequency attached by ClinVar (database versions not stated): TOPMed below 0.00001.

Submission:

GeneDx
Classification: Uncertain significance. Last evaluated: 2022-02-10. Review status: criteria provided, single submitter. Criteria: GeneDx Variant Classification Process June 2021. Collection method: clinical testing. Allele origin: germline. Affected: yes.
Comment: Not observed at significant frequency in large population cohorts (gnomAD); Nonsense variant predicted to result in protein truncation or nonsense mediated decay in a gene for which loss-of-function is not a known mechanism of disease; Has not been previously published as pathogenic or benign to our knowledge